The following is an entry in ClinVar:

ClinVar aggregate classification (germline): Uncertain significance (1 of 4 stars; one submission).

Conditions:
Leber congenital amaurosis 6 (LCA6). Identifiers: Orphanet 65, MedGen C1854260, MONDO:0013446, OMIM 613826.
Cone-rod dystrophy 13 (CORD13). Identifiers: Orphanet 1872, MedGen C2750720, MONDO:0011987, OMIM 608194.

Allele frequency attached by ClinVar (database versions not stated): gnomAD exomes below 0.00001.
gnomAD v4.1: 8 of 1,614,002 alleles (0.0005%); highest among the groups gnomAD compares: African/African-American, 0.0027%; no homozygotes.

Submission:

Labcorp Genetics (formerly Invitae), Labcorp
Classification: Uncertain significance for Leber congenital amaurosis 6; Cone-rod dystrophy 13. Last evaluated: 2022-10-21. Review status: criteria provided, single submitter. Criteria: Invitae Variant Classification Sherloc (09022015). Collection method: clinical testing. Allele origin: germline.
Comment: This sequence change replaces cysteine, which is neutral and slightly polar, with tyrosine, which is neutral and polar, at codon 720 of the RPGRIP1 protein (p.Cys720Tyr). This variant is not present in population databases (gnomAD no frequency). This variant has not been reported in the literature in individuals affected with RPGRIP1-related conditions. ClinVar contains an entry for this variant (Variation ID: 1057833). Advanced modeling of protein sequence and biophysical properties (such as structural, functional, and spatial information, amino acid conservation, physicochemical variation, residue mobility, and thermodynamic stability) performed at Invitae indicates that this missense variant is not expected to disrupt RPGRIP1 protein function. In summary, the available evidence is currently insufficient to determine the role of this variant in disease. Therefore, it has been classified as a Variant of Uncertain Significance.

NM_020366.4(RPGRIP1):c.2159G>A (p.Cys720Tyr)

Gene: RPGRIP1 (RPGR interacting protein 1; plus strand). Cytogenetic location: 14q11.2.
Variant type: single nucleotide variant.
Coding change: c.2159G>A on transcript NM_020366.4 (MANE Select); coding-DNA position 2159, G replaced by A.
Protein change: p.Cys720Tyr; replaces cysteine 720 with tyrosine.
Molecular consequence: missense variant. On other transcripts: intron variant (4).
Genome position (GRCh38, 1-based): chr14:21,325,014, G>A. VCF-style: chr14-21325014-G-A. GRCh37 (hg19) VCF-style: chr14-21793173-G-A.
Other names: c.1085G>A, p.Cys362Tyr (NM_001377948.1); c.796+289G>A (NM_001377949.1); c.689-2609G>A (NM_001377523.1, NM_001377950.1); c.191-2609G>A (NM_001377951.1); short protein forms C362Y, C720Y.
Identifiers: ClinVar variation 1057833 (VCV001057833.7), dbSNP rs1882916452, ClinGen allele CA388868167.
Genomic context (GRCh38, chr14:21,325,014, plus strand): 5'-GGCTTGACATACACCAGGCCATGGCCAGTGAACACAGCACTCTTGCTGCAGGATGGATTT[G>A]CTTTGACAGGGTGCTAGAGACTGTGGAGAAAGTCCATGGCTTGGCCACACTGATTGGTAA-3'
Protein context (NP_065099.3, residues 710-730): EHSTLAAGWI[Cys720Tyr]FDRVLETVEK